The following is an entry in ClinVar:

ClinVar aggregate classification (germline): Uncertain significance. Review status: criteria provided, multiple submitters, no conflicts (2 of 4 stars). 2 submissions from 2 submitters: Uncertain significance (2). Last evaluated 2025-12-24.

Conditions:
Inborn genetic diseases. Identifiers: MedGen C0950123, MeSH D030342.

Submissions (2):

Ambry Genetics
Classification: Uncertain significance for Inborn genetic diseases. Last evaluated: 2025-12-24. Review status: criteria provided, single submitter. Criteria: Ambry Variant Classification Scheme 2023. Collection method: clinical testing. Allele origin: germline.

GeneDx
Classification: Uncertain significance. Last evaluated: 2025-02-06. Review status: criteria provided, single submitter. Criteria: GeneDx Variant Classification Process June 2021. Collection method: clinical testing. Allele origin: germline. Affected: yes.
Comment: Not observed at significant frequency in large population cohorts (gnomAD); In silico analysis indicates that this missense variant does not alter protein structure/function; Has not been previously published as pathogenic or benign to our knowledge

NM_001080517.3(SETD5):c.2773T>C (p.Ser925Pro)

Gene: SETD5 (SET domain containing 5; plus strand). Cytogenetic location: 3p25.3.
Variant type: single nucleotide variant.
Coding change: c.2773T>C on transcript NM_001080517.3 (MANE Select); coding-DNA position 2773, T replaced by C.
Protein change: p.Ser925Pro; replaces serine 925 with proline.
Molecular consequence: missense variant.
Genome position (GRCh38, 1-based): chr3:9,470,507, T>C. VCF-style: chr3-9470507-T-C. GRCh37 (hg19) VCF-style: chr3-9512191-T-C.
Other names: c.2479T>C, p.Ser827Pro (NM_001292043.2, NM_001349451.2); c.2869T>C, p.Ser957Pro (NM_001437633.1); c.2887T>C, p.Ser963Pro (NM_001437635.1); c.2830T>C, p.Ser944Pro (NM_001437643.1); c.2812T>C, p.Ser938Pro (NM_001437701.1); short protein forms S827P, S925P, S938P, S944P, S957P, S963P.
Identifiers: ClinVar variation 4074504 (VCV004074504.2).
Genomic context (GRCh38, chr3:9,470,507, plus strand): 5'-TTATTCTTTCAGCTTTGTCACCGAAAAGACCTGGATTTGGCAAAAGTAGGATACCTTGAC[T>C]CCAACACTAACAGCTGTGCTGATAGACCTTCCCTACTCAACTCAGGTCATTCTGACCTGG-3'
Protein context (NP_001073986.1, residues 915-935): LDLAKVGYLD[Ser925Pro]NTNSCADRPS